The following is an entry in ClinVar:

NM_001365951.3(KIF1B):c.2608A>G (p.Ser870Gly)

Gene: KIF1B (kinesin family member 1B; plus strand). Cytogenetic location: 1p36.22.
Variant type: single nucleotide variant.
Coding change: c.2608A>G on transcript NM_001365951.3 (MANE Select); coding-DNA position 2608, A replaced by G.
Protein change: p.Ser870Gly; replaces serine 870 with glycine.
Molecular consequence: missense variant.
Genome position (GRCh38, 1-based): chr1:10,324,828, A>G. VCF-style: chr1-10324828-A-G. GRCh37 (hg19) VCF-style: chr1-10384886-A-G.
Other names: c.2608A>G, p.Ser870Gly (NM_001365952.1); c.2470A>G, p.Ser824Gly (NM_015074.3); short protein forms S824G, S870G.
Identifiers: ClinVar variation 2278099 (VCV002278099.3), dbSNP rs2521630213, ClinGen allele CA338335673.

ClinVar aggregate classification (germline): Uncertain significance (1 of 4 stars; one submission).

Submission:

Ambry Genetics
Classification: Uncertain significance. Last evaluated: 2026-01-04. Review status: criteria provided, single submitter. Criteria: Ambry Variant Classification Scheme 2023. Collection method: clinical testing. Allele origin: germline.
Comment: The p.S824G variant (also known as c.2470A>G), located in coding exon 23 of the KIF1B gene, results from an A to G substitution at nucleotide position 2470. The serine at codon 824 is replaced by glycine, an amino acid with similar properties. This amino acid position is conserved. In addition, this alteration is predicted to be tolerated by in silico analysis. Based on the available evidence, the clinical significance of this variant remains unclear.